The following is an entry in ClinVar:

NM_139281.3(WDR36):c.260A>G (p.Asn87Ser)

Gene: WDR36 (WD repeat domain 36; plus strand). Cytogenetic location: 5q22.1.
Variant type: single nucleotide variant.
Coding change: c.260A>G on transcript NM_139281.3 (MANE Select); coding-DNA position 260, A replaced by G.
Protein change: p.Asn87Ser; replaces asparagine 87 with serine.
Molecular consequence: missense variant.
Genome position (GRCh38, 1-based): chr5:111,097,148, A>G. VCF-style: chr5-111097148-A-G. GRCh37 (hg19) VCF-style: chr5-110432846-A-G.
Other names: c.428A>G (NM_139281.2); short protein forms N87S.
Identifiers: ClinVar variation 1911316 (VCV001911316.6), dbSNP rs2531781516, ClinGen allele CA360606356.

ClinVar aggregate classification (germline): Uncertain significance. Review status: criteria provided, multiple submitters, no conflicts (2 of 4 stars). 2 submissions from 2 submitters: Uncertain significance (2). Last evaluated 2025-12-15.

Allele frequency attached by ClinVar (database versions not stated): gnomAD exomes below 0.00001.
gnomAD v4.1: 4 of 1,613,680 alleles (0.00025%); highest among the groups gnomAD compares: Middle Eastern, 0.017%; no homozygotes.

Submissions (2):

Ambry Genetics
Classification: Uncertain significance. Last evaluated: 2025-12-15. Review status: criteria provided, single submitter. Criteria: Ambry Variant Classification Scheme 2023. Collection method: clinical testing. Allele origin: germline.

Labcorp Genetics (formerly Invitae), Labcorp
Classification: Uncertain significance. Last evaluated: 2025-10-13. Review status: criteria provided, single submitter. Criteria: Invitae Variant Classification Sherloc (09022015). Collection method: clinical testing. Allele origin: germline.
Comment: This sequence change replaces asparagine, which is neutral and polar, with serine, which is neutral and polar, at codon 143 of the WDR36 protein (p.Asn143Ser). This variant is not present in population databases (gnomAD no frequency). This variant has not been reported in the literature in individuals affected with WDR36-related conditions. ClinVar contains an entry for this variant (Variation ID: 1911316). Invitae Evidence Modeling of protein sequence and biophysical properties (such as structural, functional, and spatial information, amino acid conservation, physicochemical variation, residue mobility, and thermodynamic stability) indicates that this missense variant is not expected to disrupt WDR36 protein function with a negative predictive value of 80%. In summary, the available evidence is currently insufficient to determine the role of this variant in disease. Therefore, it has been classified as a Variant of Uncertain Significance.